The following is an entry in ClinVar:

NM_053025.4(MYLK):c.4573G>A (p.Val1525Met)

Gene: MYLK (myosin light chain kinase; minus strand). Cytogenetic location: 3q21.1.
Variant type: single nucleotide variant.
Coding change: c.4573G>A on transcript NM_053025.4 (MANE Select); coding-DNA position 4573, G replaced by A.
Protein change: p.Val1525Met; replaces valine 1525 with methionine.
Molecular consequence: missense variant.
Genome position (GRCh38, 1-based): chr3:123,647,270, C>T on the plus strand (G>A on the coding strand, the complement: MYLK is on the minus strand). VCF-style: chr3-123647270-C-T. GRCh37 (hg19) VCF-style: chr3-123366117-C-T.
Other names: c.4045G>A, p.Val1349Met (NM_001321309.2); c.4366G>A, p.Val1456Met (NM_053026.4, NM_053028.4); c.4573G>A, p.Val1525Met (NM_053027.4); short protein forms V1349M, V1525M, V1456M.
Identifiers: ClinVar variation 2920836 (VCV002920836.1), dbSNP rs2473359706, ClinGen allele CA354227043.

ClinVar aggregate classification (germline): Uncertain significance (1 of 4 stars; one submission).

Submission:

ARUP Laboratories, Molecular Genetics and Genomics, ARUP Laboratories
Classification: Uncertain significance. Last evaluated: 2022-12-20. Review status: criteria provided, single submitter. Criteria: ARUP Molecular Germline Variant Investigation Process 2024. Collection method: clinical testing. Allele origin: germline.
Comment: The MYLK c.4573G>A; p.Val1525Met variant, to our knowledge, is not reported in the medical literature or gene specific databases. This variant is absent from the Genome Aggregation Database, indicating it is not a common polymorphism. Computational analyses predict that this variant is neutral (REVEL: 0.122). Due to limited information, the clinical significance of this variant is uncertain at this time.